The following is an entry in ClinVar:

NM_177438.3(DICER1):c.3635A>C (p.Gln1212Pro)

Gene: DICER1 (dicer 1, ribonuclease III; minus strand). Cytogenetic location: 14q32.13.
Variant type: single nucleotide variant.
Coding change: c.3635A>C on transcript NM_177438.3 (MANE Select); coding-DNA position 3635, A replaced by C.
Protein change: p.Gln1212Pro; replaces glutamine 1212 with proline.
Molecular consequence: missense variant.
Genome position (GRCh38, 1-based): chr14:95,103,761, T>G on the plus strand (A>C on the coding strand, the complement: DICER1 is on the minus strand). VCF-style: chr14-95103761-T-G. GRCh37 (hg19) VCF-style: chr14-95570098-T-G.
Other names: c.3635A>C, p.Gln1212Pro (NM_001195573.1, NM_001271282.3, NM_001291628.2 and 1 more transcripts); short protein forms Q1212P.
Identifiers: ClinVar variation 477151 (VCV000477151.19), dbSNP rs763415569, ClinGen allele CA7331015.
Genomic context (GRCh38, chr14:95,103,761, plus strand): 5'-CTGGGCTGGGGCTGGTTCTCGTAACTGTATAAATTCTGAATGGAATATGAGGTAGTTGGT[T>G]GCACGGGTATTTCCTGCTTGTAGTAATTTAGCTGATTTCCTTGGCAAAAGTCTCTGTTAG-3'
Protein context (NP_803187.1, residues 1202-1222): LNYYKQEIPV[Gln1212Pro]PTTSYSIQNL

ClinVar aggregate classification (germline): Uncertain significance. Review status: criteria provided, multiple submitters, no conflicts (2 of 4 stars). 4 submissions from 4 submitters: Uncertain significance (4). Last evaluated 2026-07-13.

Conditions:
DICER1-related disorder. Also called: DICER1-related condition.
Global developmental delay - lung cysts - overgrowth - Wilms tumor syndrome. Also called: GLOBAL DEVELOPMENTAL DELAY, LUNG CYSTS, OVERGROWTH, AND WILMS TUMOR; GLOW Syndrome. Identifiers: Orphanet 404476, MedGen C4748924, MONDO:0018445, OMIM 618272.
Pleuropulmonary blastoma (PPB). Identifiers: Orphanet 64742, MedGen C1266144, MONDO:0011014, OMIM 601200, HP:0100528.
Rhabdomyosarcoma, embryonal, 2 (RMSE2). Identifiers: MedGen C1867234, MONDO:0859046, OMIM 180295.
Euthyroid goiter (MNG1). Also called: GOITER, NONTOXIC, WITH INTRATHYROIDAL CALCIFICATION; Goiter, multinodular 1, with or without Sertoli-Leydig cell tumors; SIMPLE GOITER; MULTINODULAR GOITER, ADOLESCENT. Identifiers: Orphanet 276399, MedGen C0302859, MONDO:0007681, OMIM 138800, HP:0009798.
DICER1-related tumor predisposition. Also called: DICER1 syndrome; DICER1-related pleuropulmonary blastoma cancer predisposition syndrome. Identifiers: Orphanet 284343, MedGen C3839822, MONDO:0100216.
Hereditary cancer-predisposing syndrome. Also called: Neoplastic Syndromes, Hereditary; Hereditary Cancer Syndrome; Tumor predisposition; Hereditary neoplastic syndrome. Identifiers: Orphanet 140162, MedGen C0027672, MeSH D009386, MONDO:0015356.

Allele frequency attached by ClinVar (database versions not stated): gnomAD exomes below 0.00001; ExAC 0.00001.
gnomAD v4.1: 4 of 1,614,232 alleles (0.00025%); highest among the groups gnomAD compares: Middle Eastern, 0.016%; no homozygotes.

Submissions (4):

PreventionGenetics, part of Exact Sciences
Classification: Uncertain significance for DICER1-related condition. Last evaluated: 2026-07-13. Review status: criteria provided, single submitter. Criteria: ACMG Guidelines, 2015. Collection method: clinical testing. Allele origin: germline.
Comment: The DICER1 c.3635A>C variant is predicted to result in the amino acid substitution p.Gln1212Pro. To our knowledge, this variant has not been reported in the literature. This variant is reported in 0.00088% of alleles in individuals of European (Non-Finnish) descent in gnomAD. This variant is interpreted as a variant of uncertain significance in ClinVar (Variation ID: 477151). At this time, the clinical significance of this variant is uncertain due to the absence of conclusive functional and genetic evidence.

Labcorp Genetics (formerly Invitae), Labcorp
Classification: Uncertain significance for DICER1-related tumor predisposition. Last evaluated: 2025-11-26. Review status: criteria provided, single submitter. Criteria: Invitae Variant Classification Sherloc (09022015). Collection method: clinical testing. Allele origin: germline.
Comment: This sequence change replaces glutamine, which is neutral and polar, with proline, which is neutral and non-polar, at codon 1212 of the DICER1 protein (p.Gln1212Pro). This variant is present in population databases (rs763415569, gnomAD 0.0009%). This variant has not been reported in the literature in individuals affected with DICER1-related conditions. ClinVar contains an entry for this variant (Variation ID: 477151). Invitae Evidence Modeling of protein sequence and biophysical properties (such as structural, functional, and spatial information, amino acid conservation, physicochemical variation, residue mobility, and thermodynamic stability) indicates that this missense variant is not expected to disrupt DICER1 protein function with a negative predictive value of 95%. In summary, the available evidence is currently insufficient to determine the role of this variant in disease. Therefore, it has been classified as a Variant of Uncertain Significance.

Ambry Genetics
Classification: Uncertain significance for Hereditary cancer-predisposing syndrome. Last evaluated: 2025-06-14. Review status: criteria provided, single submitter. Criteria: Ambry Variant Classification Scheme 2023. Collection method: clinical testing. Allele origin: germline.
Comment: The p.Q1212P variant (also known as c.3635A>C), located in coding exon 20 of the DICER1 gene, results from an A to C substitution at nucleotide position 3635. The glutamine at codon 1212 is replaced by proline, an amino acid with similar properties. This amino acid position is well conserved in available vertebrate species. In addition, the in silico prediction for this alteration is inconclusive. Since supporting evidence is limited at this time, the clinical significance of this alteration remains unclear.

Fulgent Genetics
Classification: Uncertain significance for Euthyroid goiter; Rhabdomyosarcoma, embryonal, 2; Pleuropulmonary blastoma; Global developmental delay - lung cysts - overgrowth - Wilms tumor syndrome. Last evaluated: 2024-04-25. Review status: criteria provided, single submitter. Criteria: ACMG Guidelines, 2015. Collection method: clinical testing. Allele origin: germline.